The following is an entry in ClinVar:

NM_213647.3(FGFR4):c.1002C>T (p.Leu334=)

Gene: FGFR4 (fibroblast growth factor receptor 4; plus strand). Cytogenetic location: 5q35.2.
Variant type: single nucleotide variant.
Coding change: c.1002C>T on transcript NM_213647.3 (MANE Select); coding-DNA position 1002, C replaced by T.
Protein change: p.Leu334=; no amino-acid change (leucine 334 retained).
Molecular consequence: synonymous variant.
Genome position (GRCh38, 1-based): chr5:177,092,729, C>T. VCF-style: chr5-177092729-C-T. GRCh37 (hg19) VCF-style: chr5-176519730-C-T.
Other names: c.1002C>T, p.Leu334= (NM_001291980.2, NM_001354984.2, NM_002011.5 and 1 more transcripts).
Identifiers: ClinVar variation 791423 (VCV000791423.27), dbSNP rs55658990, ClinGen allele CA3576199.
Genomic context (GRCh38, chr5:177,092,729, plus strand): 5'-GGTGGAGGTCCTGTACCTGCGGAACGTGTCAGCCGAGGACGCAGGCGAGTACACCTGCCT[C>T]GCAGGCAATTCCATCGGCCTCTCCTACCAGTCTGCCTGGCTCACGGTGCTGCCAGGTGAG-3'
Protein context (NP_998812.1, residues 324-344): SAEDAGEYTC[Leu334=]AGNSIGLSYQ

ClinVar aggregate classification (germline): Benign/Likely benign. Review status: criteria provided, multiple submitters, no conflicts (2 of 4 stars). 2 submissions from 2 submitters: Benign (1); Likely benign (1). Last evaluated 2022-11-01.

Allele frequency attached by ClinVar (database versions not stated): 1000 Genomes Project 30x 0.00406; 1000 Genomes Project 0.00439; gnomAD exomes 0.00565 and 0.00931; ExAC 0.00568; TOPMed 0.00618; gnomAD 0.00634 and 0.00657; ESP Exome Variant Server 0.00838.

Submissions (2):

CeGaT Center for Human Genetics Tuebingen
Classification: Likely benign. Last evaluated: 2022-11-01. Review status: criteria provided, single submitter. Criteria: CeGaT Center For Human Genetics Tuebingen Variant Classification Criteria Version 2. Collection method: clinical testing. Allele origin: germline. Affected: yes. Observed: 1 variant allele.
Comment: FGFR4: BP4, BP7, BS2

Labcorp Genetics (formerly Invitae), Labcorp
Classification: Benign. Last evaluated: 2018-01-04. Review status: criteria provided, single submitter. Criteria: Invitae Variant Classification Sherloc (09022015). Collection method: clinical testing. Allele origin: germline.